The following is an entry in ClinVar:

NM_000157.4(GBA1):c.1504C>T (p.Arg502Cys)

Genes: GBA1 (glucosylceramidase beta 1; minus strand), LOC106627981 (GBA recombination region; plus strand). Cytogenetic location: 1q22.
Variant type: single nucleotide variant.
Coding change: c.1504C>T on transcript NM_000157.4 (MANE Select); coding-DNA position 1504, C replaced by T.
Protein change: p.Arg502Cys; replaces arginine 502 with cysteine.
Molecular consequence: missense variant.
Genome position (GRCh38, 1-based): chr1:155,235,196, G>A on the plus strand (C>T on the coding strand, the complement: GBA1 is on the minus strand). VCF-style: chr1-155235196-G-A. GRCh37 (hg19) VCF-style: chr1-155204987-G-A.
Other names: R463C; (p.Arg502Cys); c.1504C>T (NM_000157.3, NM_001005742.2); c.1504C>T, p.Arg502Cys (NM_001005741.3, NM_001005742.3); c.1243C>T, p.Arg415Cys (NM_001171811.2); c.1357C>T, p.Arg453Cys (NM_001171812.2); short protein forms R502C, R415C, R453C.
Identifiers: ClinVar variation 4295 (VCV000004295.87), dbSNP rs80356771, ClinGen allele CA221394.
Genomic context (GRCh38, chr1:155,235,196, plus strand): 5'-CTGCCAAGGCCCCCAACGCTGTCTTCAGCCCACTTCCCAGACCTCACCATTGCCCTCACC[G>A]GTTTAGCACGACCACAACAGCAGAGCCATCGGGATGCATCAGTGCCACTGCGTCCAGGTC-3'
Protein context (NP_000148.2, residues 492-512): DGSAVVVVLN[Arg502Cys]SSKDVPLTIK

ClinVar aggregate classification (germline): Pathogenic. Review status: criteria provided, multiple submitters, no conflicts (2 of 4 stars). 27 submissions from 22 submitters: Pathogenic (22). 5 of the submissions do not count toward it. Last evaluated 2026-01-25.

Conditions:
GBA-related disorder. Also called: GBA-related disorders.
GBA1-related disorder. Also called: GBA1-related condition.
Parkinson disease, late-onset (PD). Also called: Susceptibility to Parkinson's Disease; PARKINSON DISEASE, LATE-ONSET, SUSCEPTIBILITY TO; Hereditary late onset Parkinson disease. Identifiers: Orphanet 411602, MedGen C3160718, MONDO:0008199, OMIM 168600.
Gaucher disease-ophthalmoplegia-cardiovascular calcification syndrome. Also called: GAUCHER DISEASE, TYPE IIIC. Identifiers: Orphanet 2072, MedGen C1856476, MONDO:0009268, OMIM 231005.
Gaucher disease perinatal lethal. Also called: Gaucher disease collodion type; Gaucher Disease, Perinatal-Lethal Form. Identifiers: Orphanet 85212, MedGen C1842704, MONDO:0011945, OMIM 608013.
Gaucher disease type I (GD1). Also called: GAUCHER DISEASE, NONCEREBRAL JUVENILE; GBA DEFICIENCY; GD I; GLUCOCEREBROSIDASE DEFICIENCY; ACID BETA-GLUCOSIDASE DEFICIENCY; GD 1. Identifiers: Orphanet 355, Orphanet 77259, MedGen C1961835, MONDO:0009265, OMIM 230800.
Gaucher disease type II (GD2). Also called: GAUCHER DISEASE, ACUTE NEURONOPATHIC TYPE; GD II; Type 2 Gaucher disease (Acute; Infantile); Acute neuronopathic Gaucher's disease. Identifiers: Orphanet 77260, MedGen C0268250, MONDO:0009266, OMIM 230900.
Gaucher disease type III. Also called: GAUCHER DISEASE, CHRONIC NEURONOPATHIC TYPE; GAUCHER DISEASE, JUVENILE AND ADULT, CEREBRAL; GAUCHER DISEASE, SUBACUTE NEURONOPATHIC TYPE; GD III; Gaucher Disease, Type 3; Type 3 Gaucher disease (Subacute; Juvenile). Identifiers: Orphanet 355, Orphanet 77261, MedGen C0268251, MONDO:0009267, OMIM 231000.
Lewy body dementia (DLB). Also called: Lewy Body Disease. Identifiers: MedGen C0752347, MONDO:0007488, OMIM 127750.
Gaucher disease. Also called: Acute cerebral Gaucher disease; Cerebroside lipidosis syndrome; Gaucher splenomegaly; Sphingolipidosis 1; Glucocerebrosidosis; Glucosylceramidase deficiency. Identifiers: Orphanet 355, MedGen C0017205, MONDO:0018150.

Allele frequency attached by ClinVar (database versions not stated): gnomAD 0.00007 and 0.00006; TOPMed 0.00008; gnomAD exomes 0.00025.
gnomAD v4.1: 370 of 1,612,378 alleles (0.023%); highest among the groups gnomAD compares: Non-Finnish European, 0.03%; no homozygotes.

Submissions 1 to 6 of 27:

Labcorp Genetics (formerly Invitae), Labcorp
Classification: Pathogenic. Last evaluated: 2026-01-25. Review status: criteria provided, single submitter. Criteria: Invitae Variant Classification Sherloc (09022015). Collection method: clinical testing. Allele origin: germline.
Comment: This sequence change replaces arginine, which is basic and polar, with cysteine, which is neutral and slightly polar, at codon 502 of the GBA protein (p.Arg502Cys). The frequency data for this variant in the population databases (gnomAD) is considered unreliable due to the presence of homologous sequence, such as pseudogenes or paralogs, in the genome. This missense change has been observed in individuals with Gaucher disease and Parkinson's disease (PMID: 1972019, 8733893, 17427031, 21704274, 24482953). This variant is also known as p.Arg463Cys or R463C. ClinVar contains an entry for this variant (Variation ID: 4295). An algorithm developed to predict the effect of missense changes on protein structure and function (PolyPhen-2) suggests that this variant is likely to be disruptive. Experimental studies have shown that this missense change affects GBA function (PMID: 8294487, 11259172). For these reasons, this variant has been classified as Pathogenic.

Natera, Inc.
Classification: Pathogenic for Gaucher disease. Last evaluated: 2025-09-05. Review status: criteria provided, single submitter. Criteria: Natera Variant Classification Schema (03/2026). Collection method: clinical testing. Allele origin: germline.
Comment: The c.1504C>T variant in GBA1 is a missense variant predicted to cause substitution of arginine to cysteine at amino acid 502. This variant is rare in the general population with a frequency below the threshold expected for the associated phenotype(s). This variant has been observed in one or more individuals affected with the associated recessive disease, as either homozygous or compound heterozygous with a second variant (PMID: 34280392, 8280613, 10796875). A different variant at the same position has been determined to be Pathogenic or Likely Pathogenic. Computational prediction algorithms indicate this variant is likely to affect gene or protein function. Given the available evidence, this variant is classified as Pathogenic.

PreventionGenetics, part of Exact Sciences
Classification: Pathogenic for GBA1-related condition. Last evaluated: 2025-07-31. Review status: criteria provided, single submitter. Criteria: ACMG Guidelines, 2015. Collection method: clinical testing. Allele origin: germline.
Comment: The GBA1 c.1504C>T variant is predicted to result in the amino acid substitution p.Arg502Cys. This variant, described as p.Arg463Cys using legacy nomenclature, has been reported in multiple individuals with Gaucher disease (Table 2, Hong et al. 1990. PubMed ID: 1972019; Tayebi et al. 1996. PubMed ID: 8733893; Alfonso et al. 2007. PubMed ID: 17427031; Chauhan et al. 2013. PubMed ID: 24482953). This variant has also been reported in individuals in Parkinson disease cohort studies (Winder-Rhodes et al. 2013. PubMed ID: 23413260; Table 1, Trinh et al. 2018. PubMed ID: 30537300; Table S1, Petrucci et al. 2020. PubMed ID: 32658388). In vitro functional studies demonstrate that expression of this variant results in significantly reduced β-glucocerebrosidase activity (Grace et al. 1994. PubMed ID: 8294487; Thomas et al. 2020. PubMed ID: 33301762). This variant is reported in 0.011% of alleles in individuals of European (non-Finnish) descent in gnomAD. This variant has been consistently interpreted as pathogenic in ClinVar (Variation ID: 4295). Further, several alternate missense changes of the same amino acid (p.Arg502Ser, p.Arg502His, and p.Arg502Pro) have also been reported in individuals with Gaucher disease (Jurecka et al. 2011. PubMed ID: 20729110; Alfonso et al. 2007. PubMed ID: 17427031; Beutler et al. 2005. PubMed ID: 16185900). Based on the above information, the c.1504C>T (p.Arg502Cys) variant is interpreted as pathogenic for Gaucher disease but is considered a risk factor for Parkinson disease.

ARUP Laboratories, Molecular Genetics and Genomics, ARUP Laboratories
Classification: Pathogenic. Last evaluated: 2025-07-17. Review status: criteria provided, single submitter. Criteria: ARUP Molecular Germline Variant Investigation Process 2024. Collection method: clinical testing. Allele origin: germline.
Comment: The GBA c.1504C>T; p.Arg502Cys variant (rs80356771), also known as Arg463Cys, is reported in the literature in the homozygous and compound heterozygous state in multiple individuals affected with Gaucher syndrome (Alfonso 2007, Chauhan 2013, Hatton 1997, Tayebi 1996). Functional analyses of the variant protein show a dramatic reduction in GBA enzyme activity (Grace 1994, Liou 2006). This variant is also reported in ClinVar (Variation ID: 4295). This variant is found in the non-Finnish European population with an allele frequency of 0.011% (14/128876 alleles) in the Genome Aggregation Database. The arginine at codon 502 is moderately conserved, and computational analyses predict that this variant is deleterious (REVEL: 0.817). Additionally, other amino acid substitutions at this codon (His, Pro, Cys, Gln, Ser) have been reported in individuals with Gaucher syndrome (Alfonso 2007, Liou 2006, Beutler 1994, Jurecka 2011). Based on available information, this variant is considered to be pathogenic. References: Alfonso P et al. Mutation analysis and genotype/phenotype relationships of Gaucher disease patients in Spain. J Hum Genet. 2007;52(5):391-396.PMID: 17427031. Beutler E et al. Glucocerebrosidase mutations in Gaucher disease. Mol Med. 1994 Nov;1(1):82-92. PMID: 8790604. Chauhan V et al. Adult type 3 Gaucher disease as manifestation of R463C/Rec Nci I mutation: first reported case in the world literature. J Assoc Physicians India. 2013 May;61(5):346-8. PMID: 24482953. Grace ME et al. Analysis of human acid beta-glucosidase by site-directed mutagenesis and heterologous expression. J Biol Chem. 1994 Jan 21;269(3):2283-91. PMID: 8294487. Hatton CE et al. Mutation analysis in 46 British and Irish patients with Gaucher's disease. Arch Dis Child. 1997 Jul;77(1):17-22. PMID: 9279145. Jurecka A et al. Gaucher disease and dysgammaglobulinemia: a report of 61 patients, including 18 with GD type III. Blood Cells Mol Dis. 2011 Jan 15;46(1):85-7. PMID: 20729110. Liou B et al. Analyses of variant acid beta-glucosidases: effects of Gaucher disease mutations. J Biol Chem. 2006 Feb 17;281(7):4242-53. PMID: 16293621. Tayebi N et al. Genotype D399N/R463C in a patient with type 3 Gaucher disease previously assigned genotype N370S/R463C. Biochem Mol Med. 1996 Apr;57(2):149-51. PMID: 8733893.

Revvity Omics, Revvity
Classification: Pathogenic. Last evaluated: 2025-05-15. Review status: criteria provided, single submitter. Criteria: ACMG Guidelines, 2015. Collection method: clinical testing. Allele origin: germline.

Blueprint Genetics
Classification: Pathogenic for GBA-related disorders. Last evaluated: 2024-07-31. Review status: criteria provided, single submitter. Criteria: ACMG Guidelines, 2015. Collection method: clinical testing. Allele origin: germline. Affected: yes. Observed: 5 variant alleles.